The following is an entry in ClinVar:

ClinVar aggregate classification (germline): Benign (1 of 4 stars; one submission).

Conditions:
Wolfram syndrome 1 (WFS1). Identifiers: Orphanet 3463, MedGen C4551693, MONDO:0009101, OMIM 222300.

Submission:

Clinical Genomics, Uppaluri K&H Personalized Medicine Clinic
Classification: Benign for Wolfram syndrome 1. Review status: criteria provided, single submitter. Criteria: K & H Uppaluri Personalized Medicine Clinic Variant Classification & Assertion Criteria_Updated V.1. Collection method: research. Allele origin: unknown. Inheritance: Autosomal recessive inheritance.
Comment: Potent mutations in WFS1 gene are associated with Wolfram's syndrome, an autosomal recessive condition, which cause diabetes mellitus, diabetes insipidus, deafness and optic atrophy. However no sufficient evidence is found to ascertain the role of this particular variant rs754802246 in Wolfram's syndrome yet.

Literature cited by the submitters: PubMed 20738327; PubMed 33879153; PubMed 12955714; PubMed 18060660; PubMed 20301750; PubMed 17603484.

NC_000004.12:g.6304102C>A

Gene: WFS1 (wolframin ER transmembrane glycoprotein; plus strand). Cytogenetic location: 4p16.1.
Variant type: single nucleotide variant.
Genome position: GRCh38 VCF-style: chr4-6304102-C-A. GRCh37 (hg19) VCF-style: chr4-6305829-C-A.
Identifiers: ClinVar variation 2442292 (VCV002442292.1), dbSNP rs2474200934, ClinGen allele CA2580071753.